The following is an entry in ClinVar:

NM_002734.5(PRKAR1A):c.64G>A (p.Val22Ile)

Gene: PRKAR1A (protein kinase cAMP-dependent type I regulatory subunit alpha; plus strand). Cytogenetic location: 17q24.2.
Variant type: single nucleotide variant.
Coding change: c.64G>A on transcript NM_002734.5 (MANE Select); coding-DNA position 64, G replaced by A.
Protein change: p.Val22Ile; replaces valine 22 with isoleucine.
Molecular consequence: missense variant.
Genome position (GRCh38, 1-based): chr17:68,515,463, G>A. VCF-style: chr17-68515463-G-A. GRCh37 (hg19) VCF-style: chr17-66511604-G-A.
Other names: c.64G>A, p.Val22Ile (NM_001276289.2, NM_001276290.1, NM_001278433.2 and 4 more transcripts); c.64G>A (NM_002734.3); short protein forms V22I.
Identifiers: ClinVar variation 958146 (VCV000958146.12), dbSNP rs878854561, ClinGen allele CA400751890.

ClinVar aggregate classification (germline): Uncertain significance. Review status: criteria provided, multiple submitters, no conflicts (2 of 4 stars). 2 submissions from 2 submitters: Uncertain significance (2). Last evaluated 2026-01-21.

Conditions:
Hereditary cancer-predisposing syndrome. Also called: Tumor predisposition; Hereditary neoplastic syndrome; Neoplastic Syndromes, Hereditary; Hereditary Cancer Syndrome. Identifiers: Orphanet 140162, MedGen C0027672, MeSH D009386, MONDO:0015356.
Carney complex, type 1 (CNC1). Also called: CARNEY MYXOMA-ENDOCRINE COMPLEX; CARNEY COMPLEX, TYPE I. Identifiers: Orphanet 1359, MedGen C2607929, MONDO:0008057, OMIM 160980.

Submissions (2):

Labcorp Genetics (formerly Invitae), Labcorp
Classification: Uncertain significance for Carney complex, type 1. Last evaluated: 2026-01-21. Review status: criteria provided, single submitter. Criteria: Invitae Variant Classification Sherloc (09022015). Collection method: clinical testing. Allele origin: germline.
Comment: This sequence change replaces valine, which is neutral and non-polar, with isoleucine, which is neutral and non-polar, at codon 22 of the PRKAR1A protein (p.Val22Ile). This variant is not present in population databases (gnomAD no frequency). This variant has not been reported in the literature in individuals affected with PRKAR1A-related conditions. ClinVar contains an entry for this variant (Variation ID: 958146). Invitae Evidence Modeling of protein sequence and biophysical properties (such as structural, functional, and spatial information, amino acid conservation, physicochemical variation, residue mobility, and thermodynamic stability) indicates that this missense variant is not expected to disrupt PRKAR1A protein function with a negative predictive value of 95%. In summary, the available evidence is currently insufficient to determine the role of this variant in disease. Therefore, it has been classified as a Variant of Uncertain Significance.

Ambry Genetics
Classification: Uncertain significance for Hereditary cancer-predisposing syndrome. Last evaluated: 2025-10-08. Review status: criteria provided, single submitter. Criteria: Ambry Variant Classification Scheme 2023. Collection method: clinical testing. Allele origin: germline.
Comment: The p.V22I variant (also known as c.64G>A), located in coding exon 1 of the PRKAR1A gene, results from a G to A substitution at nucleotide position 64. The valine at codon 22 is replaced by isoleucine, an amino acid with highly similar properties. This amino acid position is highly conserved in available vertebrate species. In addition, this alteration is predicted to be tolerated by in silico analysis. Since supporting evidence is limited at this time, the clinical significance of this alteration remains unclear.